The following is an entry in ClinVar:

ClinVar aggregate classification (germline): Uncertain significance (1 of 4 stars; one submission).

Submission:

Labcorp Genetics (formerly Invitae), Labcorp
Classification: Uncertain significance. Last evaluated: 2025-07-19. Review status: criteria provided, single submitter. Criteria: Invitae Variant Classification Sherloc (09022015). Collection method: clinical testing. Allele origin: germline.
Comment: This sequence change replaces serine, which is neutral and polar, with leucine, which is neutral and non-polar, at codon 231 of the NOG protein (p.Ser231Leu). This variant is not present in population databases (gnomAD no frequency). This variant has not been reported in the literature in individuals affected with NOG-related conditions. An algorithm developed to predict the effect of missense changes on protein structure and function (PolyPhen-2) suggests that this variant is likely to be tolerated. In summary, the available evidence is currently insufficient to determine the role of this variant in disease. Therefore, it has been classified as a Variant of Uncertain Significance.

NM_005450.6(NOG):c.692C>T (p.Ser231Leu)

Gene: NOG (noggin; plus strand). Cytogenetic location: 17q22.
Variant type: single nucleotide variant.
Coding change: c.692C>T on transcript NM_005450.6 (MANE Select); coding-DNA position 692, C replaced by T.
Protein change: p.Ser231Leu; replaces serine 231 with leucine.
Molecular consequence: missense variant.
Genome position (GRCh38, 1-based): chr17:56,594,915, C>T. VCF-style: chr17-56594915-C-T. GRCh37 (hg19) VCF-style: chr17-54672276-C-T.
Other names: short protein forms S231L.
Identifiers: ClinVar variation 4769715 (VCV004769715.1).